The following is an entry in ClinVar:

ClinVar aggregate classification (germline): Uncertain significance. Review status: criteria provided, multiple submitters, no conflicts (2 of 4 stars). 2 submissions from 2 submitters: Uncertain significance (2). Last evaluated 2025-10-25.

Conditions:
Inborn genetic diseases. Identifiers: MedGen C0950123, MeSH D030342.

Submissions (2):

Labcorp Genetics (formerly Invitae), Labcorp
Classification: Uncertain significance. Last evaluated: 2025-10-25. Review status: criteria provided, single submitter. Criteria: Invitae Variant Classification Sherloc (09022015). Collection method: clinical testing. Allele origin: germline.
Comment: This sequence change replaces methionine, which is neutral and non-polar, with isoleucine, which is neutral and non-polar, at codon 190 of the MBD4 protein (p.Met190Ile). This variant is not present in population databases (gnomAD no frequency). This variant has not been reported in the literature in individuals affected with MBD4-related conditions. ClinVar contains an entry for this variant (Variation ID: 2869748). An algorithm developed to predict the effect of missense changes on protein structure and function (PolyPhen-2) suggests that this variant is likely to be tolerated. In summary, the available evidence is currently insufficient to determine the role of this variant in disease. Therefore, it has been classified as a Variant of Uncertain Significance.

Ambry Genetics
Classification: Uncertain significance for Inborn genetic diseases. Last evaluated: 2025-01-20. Review status: criteria provided, single submitter. Criteria: Ambry Variant Classification Scheme 2023. Collection method: clinical testing. Allele origin: germline.
Comment: The p.M190I variant (also known as c.570G>A), located in coding exon 3 of the MBD4 gene, results from a G to A substitution at nucleotide position 570. The methionine at codon 190 is replaced by isoleucine, an amino acid with highly similar properties. This amino acid position is conserved. In addition, this alteration is predicted to be tolerated by in silico analysis. Based on the available evidence, the clinical significance of this variant remains unclear.

NM_001276270.2(MBD4):c.570G>A (p.Met190Ile)

Gene: MBD4 (methyl-CpG binding domain 4, DNA glycosylase; minus strand). Cytogenetic location: 3q21.3.
Variant type: single nucleotide variant.
Coding change: c.570G>A on transcript NM_001276270.2 (MANE Select); coding-DNA position 570, G replaced by A.
Protein change: p.Met190Ile; replaces methionine 190 with isoleucine.
Molecular consequence: missense variant. On other transcripts: intron variant (1).
Genome position (GRCh38, 1-based): chr3:129,437,074, C>T on the plus strand (G>A on the coding strand, the complement: MBD4 is on the minus strand). VCF-style: chr3-129437074-C-T. GRCh37 (hg19) VCF-style: chr3-129155917-C-T.
Other names: c.570G>A, p.Met190Ile (NM_001276271.2, NM_001276272.2, NM_003925.3); c.247+734G>A (NM_001276273.2); short protein forms M190I.
Identifiers: ClinVar variation 2869748 (VCV002869748.4), dbSNP rs2072479240, ClinGen allele CA354467738.